The following is an entry in ClinVar:

NM_001330260.2(SCN8A):c.4850G>A (p.Arg1617Gln)

Gene: SCN8A (sodium voltage-gated channel alpha subunit 8; plus strand). Cytogenetic location: 12q13.13.
Variant type: single nucleotide variant.
Coding change: c.4850G>A on transcript NM_001330260.2 (MANE Select); coding-DNA position 4850, G replaced by A.
Protein change: p.Arg1617Gln; replaces arginine 1617 with glutamine.
Molecular consequence: missense variant.
Genome position (GRCh38, 1-based): chr12:51,806,336, G>A. VCF-style: chr12-51806336-G-A. GRCh37 (hg19) VCF-style: chr12-52200120-G-A.
Other names: c.4727G>A, p.Arg1576Gln (NM_001177984.3, NM_001369788.1); c.4850G>A, p.Arg1617Gln (NM_014191.4); short protein forms R1617Q, R1576Q.
Identifiers: ClinVar variation 156106 (VCV000156106.24), dbSNP rs587777721, ClinGen allele CA170757.
Genomic context (GRCh38, chr12:51,806,336, plus strand): 5'-TCTTAGGAATGTTCCTGGCAGATATAATTGAGAAATACTTTGTTTCCCCAACCCTATTCC[G>A]AGTCATCCGATTGGCCCGTATTGGGCGCATCTTGCGTCTGATCAAAGGCGCCAAAGGGAT-3'
Protein context (NP_001317189.1, residues 1607-1627): EKYFVSPTLF[Arg1617Gln]VIRLARIGRI

ClinVar aggregate classification (germline): Pathogenic. Review status: criteria provided, multiple submitters, no conflicts (2 of 4 stars). 9 submissions from 9 submitters: Pathogenic (6). 3 of the submissions do not count toward it. Last evaluated 2025-09-22.

Conditions:
Early-infantile DEE. Also called: Early infantile epileptic encephalopathy; Ohtahara syndrome; Early infantile epileptic encephalopathy with suppression bursts. Identifiers: Orphanet 1934, MedGen C0393706, MONDO:0800491.
developmental delay with seizures.
SCN8A-related disorder.
Inborn genetic diseases. Identifiers: MedGen C0950123, MeSH D030342.
Developmental and epileptic encephalopathy, 13 (DEE13). Also called: SCN8A-Related Epilepsy; Early infantile epileptic encephalopathy 13; Developmental and Epileptic Encephalopathy (SCN8A-DEE). Identifiers: Orphanet 442835, MedGen C3281191, MONDO:0013801, OMIM 614558.

Submissions (10):

Labcorp Genetics (formerly Invitae), Labcorp
Classification: Pathogenic for Early-infantile DEE. Last evaluated: 2025-09-22. Review status: criteria provided, single submitter. Criteria: Invitae Variant Classification Sherloc (09022015). Collection method: clinical testing. Allele origin: germline.
Comment: This sequence change replaces arginine, which is basic and polar, with glutamine, which is neutral and polar, at codon 1617 of the SCN8A protein (p.Arg1617Gln). This variant is not present in population databases (gnomAD no frequency). This missense change has been observed in individual(s) with epileptic encephalopathies (PMID: 23020937, 24888894, 25046240, 25568300, 25785782, 26029160, 29588952). In at least one individual the variant was observed to be de novo. ClinVar contains an entry for this variant (Variation ID: 156106). Invitae Evidence Modeling of protein sequence and biophysical properties (such as structural, functional, and spatial information, amino acid conservation, physicochemical variation, residue mobility, and thermodynamic stability) indicates that this missense variant is expected to disrupt SCN8A protein function with a positive predictive value of 95%. Experimental studies have shown that this missense change affects SCN8A function (PMID: 26900580). For these reasons, this variant has been classified as Pathogenic.

Genomic Medicine Center of Excellence, King Faisal Specialist Hospital and Research Centre
Classification: Pathogenic for Developmental and epileptic encephalopathy, 13. Last evaluated: 2025-09-10. Review status: criteria provided, single submitter. Criteria: ACMG Guidelines, 2015. Collection method: clinical testing. Allele origin: germline.

Blueprint Genetics
Classification: Pathogenic for SCN8A-related disorders. Last evaluated: 2021-11-30. Review status: criteria provided, single submitter. Criteria: ACMG Guidelines, 2015. Collection method: clinical testing. Allele origin: de novo. Affected: yes. Observed: 1 variant allele.

GeneDx
Classification: Pathogenic. Last evaluated: 2021-10-22. Review status: criteria provided, single submitter. Criteria: GeneDx Variant Classification Process June 2021. Collection method: clinical testing. Allele origin: germline. Affected: yes.
Comment: Published functional studies demonstrate a damaging effect resulting in channel hyperactivity (Wagnon et al., 2016); Not observed at significant frequency in large population cohorts (gnomAD); In silico analysis supports that this missense variant has a deleterious effect on protein structure/function; Missense variants in this gene are often considered pathogenic (HGMD); This variant is associated with the following publications: (PMID: 31692161, 25785782, 24194747, 26029160, 23020937, 24888894, 25568300, 25046240, 28554332, 29588952, 30171078, 28191890, 29655203, 32090326, 31175295, 33004838, 33442870, 26900580)

Ambry Genetics
Classification: Pathogenic for Inborn genetic diseases. Last evaluated: 2018-01-04. Review status: criteria provided, single submitter. Criteria: Ambry Variant Classification Scheme 2023. Collection method: clinical testing. Allele origin: germline.
Comment: The p.R1617Q pathogenic mutation (also known as c.4850G>A), located in coding exon 26 of the SCN8A gene, results from a G to A substitution at nucleotide position 4850. The arginine at codon 1617 is replaced by glutamine, an amino acid with highly similar properties. This mutation was first identified in an individual with non-syndromic intellectual disability (Rauch A et al. Lancet, 2012 Nov;380:1674-82). It has also been reported in individuals with seizure disorders (Ohba C et al. Epilepsia, 2014 Jul;55:994-1000; Larsen J et al. Neurology, 2015 Feb;84:480-9; Kong W et al. Epilepsia, 2015 Mar;56:431-8; Dyment DA et al. Clin. Genet., 2015 Jul;88:34-40). In ND7/23 cells, this mutation causes elevated channel activity due to impaired channel inactivation (Wagnon JL et al. Ann Clin Transl Neurol, 2016 Feb;3:114-23). In addition, internal structural analysis indicates that this variant is part of a known motif needed for protein function and there are known pathogenic variants at equivalent positions in the protein (Spampanato J et al. J. Neurosci., 2004 Nov;24:10022-34; Mantegazza M et al. J. Neurosci., 2005 Mar;25:3341-9; Laezza F et al. Mol. Cell. Neurosci., 2009 Oct;42:90-101; Catterall WA. Neuron, 2010 Sep;67:915-28; Yan Z et al. Cell, 2017 Jul;170:470-482.e11). Based on the supporting evidence, this alteration is interpreted as a disease-causing mutation.

HudsonAlpha Institute for Biotechnology
Classification: Pathogenic for Developmental and epileptic encephalopathy, 13. Last evaluated: 2016-07-14. Review status: criteria provided, single submitter. Criteria: HA_assertions_20161101. Collection method: research. Allele origin: de novo. Affected: yes. Observed: 1 variant allele. Study: CSER-HudsonAlpha.

Clinical Molecular Genetics Laboratory, Johns Hopkins All Children's Hospital
Classification: Uncertain significance for developmental delay with seizures. Last evaluated: 2017-08-25. Review status: no assertion criteria provided. Collection method: clinical testing. Allele origin: germline. Affected: yes. Not counted in ClinVar's aggregate classification.

OMIM
Classification: Pathogenic for DEVELOPMENTAL AND EPILEPTIC ENCEPHALOPATHY 13. Last evaluated: 2014-07-01. Review status: no assertion criteria provided. Collection method: literature only. Allele origin: germline. Not counted in ClinVar's aggregate classification.

Channelopathy-Associated Epilepsy Research Center
No classification provided (evidence only). Condition: Complex neurodevelopmental disorder. Review status: no classification provided. Collection method: literature only. Allele origin: not applicable. Functional consequence: Normal peak current, Normal voltage dependence of activation, Normal slope of activation, Normal voltage dependence of fast inactivation, Increase in slope of fast inactivation, Acceleration of recovery from fast inactivation, Severe increase in persistent current, Increase in resurgent current, Overall gain-of-function effect with respect to biophysical channel activity. Not counted in ClinVar's aggregate classification.
ClinVar note: "not provided" was previously submitted as the classification for the variant. However, the classification appeared to be based only on an observation of functional data so it was converted to no classification on 2025-07-30.

GeneReviews
No classification provided. Condition: Developmental and epileptic encephalopathy, 13. Review status: no classification provided. Collection method: literature only. Allele origin: germline. Affected: yes. Not counted in ClinVar's aggregate classification.

Literature cited by the submitters: PubMed 23020937 (cited by 3 submitters); PubMed 24888894 (cited by 4 submitters); PubMed 25046240 (cited by 3 submitters); PubMed 25568300 (cited by 3 submitters); PubMed 25785782 (cited by Labcorp Genetics (formerly Invitae), Labcorp and Ambry Genetics); PubMed 26029160 (cited by Labcorp Genetics (formerly Invitae), Labcorp and Ambry Genetics); PubMed 29588952 (cited by Labcorp Genetics (formerly Invitae), Labcorp); PubMed 26900580 (cited by Labcorp Genetics (formerly Invitae), Labcorp and Ambry Genetics); PubMed 15525788 (cited by Ambry Genetics); PubMed 15800189 (cited by Ambry Genetics); PubMed 19465131 (cited by Ambry Genetics); PubMed 20869590 (cited by Ambry Genetics); PubMed 28735751 (cited by Ambry Genetics); PubMed 31715021 (cited by Channelopathy-Associated Epilepsy Research Center); PubMed 26235739 (cited by GeneReviews); NCBI Bookshelf NBK379665 (cited by GeneReviews).